The following is an entry in ClinVar:

ClinVar aggregate classification (germline): Uncertain significance. Review status: reviewed by expert panel (3 of 4 stars). 2 submissions from 2 submitters: Uncertain significance (1). 1 of the submissions does not count toward it. Last evaluated 2025-08-01.

Conditions:
Malignant hyperthermia of anesthesia. Also called: Anesthesic-triggered malignant hyperthermia. Identifiers: Orphanet 423, MedGen C0024591, MONDO:0018493, HP:0034733.

Submissions (2):

ClinGen Malignant Hyperthermia Susceptibility Variant Curation Expert Panel, ClinGen
Classification: Uncertain significance for Malignant hyperthermia of anesthesia. Last evaluated: 2025-08-01. Review status: reviewed by expert panel. Criteria: ClinGen MHS ACMG Specifications V2. Collection method: curation. Allele origin: germline. Inheritance: Autosomal dominant inheritance.
Comment: This pathogenicity assessment is relevant only for malignant hyperthermia susceptibility (MHS) inherited in an autosomal dominant pattern. Variants in RYR1 can also cause other myopathies inherited in an autosomal dominant pattern or in an autosomal recessive pattern. Some of these disorders may predispose individuals to malignant hyperthermia. RYR1 variants may also contribute to a malignant hyperthermia reaction in combination with other genetic and non-genetic factors and the clinician needs to consider such factors in making management decisions. This sequence variant predicts a substitution of aspartic acid with histidine at codon 2730 of the RYR1 protein, p.(Asp2730His). This variant was not present in a large population database (gnomAD) at the time this variant was interpreted. This variant has been reported in an individuals with a personal or family history of an MH episode without a positive in vitro contracture test (IVCT) or caffeine halothane contracture test (CHCT) result, as well, this individual was reported to have a second variant of uncertain significance in RYR1, PS4 was not applied (PMID:16732084). No functional studies were identified for this variant. This variant does not reside in a hotspot for pathogenic variants that contribute to MHS. A REVEL score >0.85 (0.881) supports a pathogenic status for this variant, PP3_Moderate. This variant has been classified as a Variant of Unknown Significance. Criteria implemented: PP3_Moderate.

RYR1 database
No classification provided. Review status: no classification provided. Collection method: not provided. Allele origin: unknown. Not counted in ClinVar's aggregate classification.

NM_000540.3(RYR1):c.8188G>C (p.Asp2730His)

Gene: RYR1 (ryanodine receptor 1; plus strand). Cytogenetic location: 19q13.2.
Variant type: single nucleotide variant.
Coding change: c.8188G>C on transcript NM_000540.3 (MANE Select); coding-DNA position 8188, G replaced by C.
Protein change: p.Asp2730His; replaces aspartic acid 2730 with histidine.
Molecular consequence: missense variant.
Genome position (GRCh38, 1-based): chr19:38,504,868, G>C. VCF-style: chr19-38504868-G-C. GRCh37 (hg19) VCF-style: chr19-38995508-G-C.
Other names: NM_000540.2(RYR1):c.8188G>C; p.Asp2730His; c.8188G>C, p.Asp2730His (NM_001042723.2); short protein forms D2730H.
Identifiers: ClinVar variation 133218 (VCV000133218.4), dbSNP rs193922827, ClinGen allele CA024894.
Genomic context (GRCh38, chr19:38,504,868, plus strand): 5'-CTGCCCCCCGACTATGTGGATGCCTCATACTCATCTAAGGCAGAGAAAAAGGCCACAGTG[G>C]ATGCTGAAGGCAACTTTGATCCCCGGCCTGTGGAGACCCTCAAGTGAGGCCTGGGGGCTG-3'
Protein context (NP_000531.2, residues 2720-2740): SSKAEKKATV[Asp2730His]AEGNFDPRPV